The following is an entry in ClinVar:

NM_022168.4(IFIH1):c.744T>G (p.Ser248=)

Gene: IFIH1 (interferon induced with helicase C domain 1; minus strand). Cytogenetic location: 2q24.2.
Variant type: single nucleotide variant.
Coding change: c.744T>G on transcript NM_022168.4 (MANE Select); coding-DNA position 744, T replaced by G.
Protein change: p.Ser248=; no amino-acid change (serine 248 retained).
Molecular consequence: synonymous variant.
Genome position (GRCh38, 1-based): chr2:162,306,734, A>C on the plus strand (T>G on the coding strand, the complement: IFIH1 is on the minus strand). VCF-style: chr2-162306734-A-C. GRCh37 (hg19) VCF-style: chr2-163163244-A-C.
Identifiers: ClinVar variation 1930023 (VCV001930023.29), dbSNP rs768200600, ClinGen allele CA59685850.

ClinVar aggregate classification (germline): Likely benign. Review status: criteria provided, multiple submitters, no conflicts (2 of 4 stars). 2 submissions from 2 submitters: Likely benign (2). Last evaluated 2024-12-02.

Conditions:
Aicardi-Goutieres syndrome 7 (AGS7). Identifiers: Orphanet 51, MedGen C3888244, MONDO:0014367, OMIM 615846.
Singleton-Merten syndrome 1 (SGMRT1). Also called: Widened medullary cavities of bone, aortic calcification, abnormal dentition, and muscular weakness; Syndrome of widened medullary cavities of the metacarpals and phalanges, aortic calcification and abnormal dentition. Identifiers: Orphanet 85191, MedGen C4225427, MONDO:0024535, OMIM 182250.

gnomAD v4.1: 7 of 1,613,926 alleles (0.00043%); highest among the groups gnomAD compares: Middle Eastern, 0.017%; no homozygotes.

Submissions (2):

Labcorp Genetics (formerly Invitae), Labcorp
Classification: Likely benign for Aicardi-Goutieres syndrome 7; Singleton-Merten syndrome 1. Last evaluated: 2024-12-02. Review status: criteria provided, single submitter. Criteria: Invitae Variant Classification Sherloc (09022015). Collection method: clinical testing. Allele origin: germline.

CeGaT Center for Human Genetics Tuebingen
Classification: Likely benign. Last evaluated: 2023-02-01. Review status: criteria provided, single submitter. Criteria: CeGaT Center For Human Genetics Tuebingen Variant Classification Criteria Version 2. Collection method: clinical testing. Allele origin: germline. Affected: yes. Observed: 2 variant alleles.
Comment: IFIH1: BP4, BP7